The following is an entry in ClinVar:

ClinVar aggregate classification (germline): Uncertain significance (1 of 4 stars; one submission).

Conditions:
Limb-girdle muscular dystrophy due to POMK deficiency. Also called: Muscular dystrophy-dystroglycanopathy (limb-girdle), type c, 12; MUSCULAR DYSTROPHY-DYSTROGLYCANOPATHY, LIMB-GIRDLE, POMK-RELATED. Identifiers: Orphanet 445110, MedGen C4015184, MONDO:0014489, OMIM 616094.
Muscular dystrophy-dystroglycanopathy (congenital with brain and eye anomalies), type a, 12 (MDDGA12). Also called: WALKER-WARBURG SYNDROME OR MUSCLE-EYE-BRAIN DISEASE, POMK-RELATED. Identifiers: Orphanet 899, MedGen C3808964, MONDO:0014101, OMIM 615249.

Submission:

Labcorp Genetics (formerly Invitae), Labcorp
Classification: Uncertain significance for Muscular dystrophy-dystroglycanopathy (congenital with brain and eye anomalies), type a, 12; Limb-girdle muscular dystrophy due to POMK deficiency. Last evaluated: 2022-04-03. Review status: criteria provided, single submitter. Criteria: Invitae Variant Classification Sherloc (09022015). Collection method: clinical testing. Allele origin: germline.
Comment: In summary, the available evidence is currently insufficient to determine the role of this variant in disease. Therefore, it has been classified as a Variant of Uncertain Significance. This variant has not been reported in the literature in individuals affected with POMK-related conditions. Algorithms developed to predict the effect of missense changes on protein structure and function (SIFT, PolyPhen-2, Align-GVGD) all suggest that this variant is likely to be disruptive. This variant is not present in population databases (gnomAD no frequency). This sequence change replaces valine, which is neutral and non-polar, with aspartic acid, which is acidic and polar, at codon 134 of the POMK protein (p.Val134Asp).

NM_032237.5(POMK):c.401T>A (p.Val134Asp)

Gene: POMK (protein O-mannose kinase; plus strand). Cytogenetic location: 8p11.21.
Variant type: single nucleotide variant.
Coding change: c.401T>A on transcript NM_032237.5 (MANE Select); coding-DNA position 401, T replaced by A.
Protein change: p.Val134Asp; replaces valine 134 with aspartic acid.
Molecular consequence: missense variant.
Genome position (GRCh38, 1-based): chr8:43,122,225, T>A. VCF-style: chr8-43122225-T-A. GRCh37 (hg19) VCF-style: chr8-42977368-T-A.
Other names: c.401T>A, p.Val134Asp (NM_001277971.2); short protein forms V134D.
Identifiers: ClinVar variation 2121094 (VCV002121094.4), dbSNP rs1811931827, ClinGen allele CA371121616.
Genomic context (GRCh38, chr8:43,122,225, plus strand): 5'-AGATGAAAGATGATTTCCTCCATGGACTGCAGATGCTGAAATCTCTCCAAGGCACACATG[T>A]TGTCACGCTGCTTGGCTATTGTGAGGATGACAACACTATGCTTACTGAATATCACCCTCT-3'
Protein context (NP_115613.1, residues 124-144): QMLKSLQGTH[Val134Asp]VTLLGYCEDD